The following is an entry in ClinVar:

NM_001080467.3(MYO5B):c.808G>A (p.Gly270Ser)

Gene: MYO5B (myosin VB; minus strand). Cytogenetic location: 18q21.1.
Variant type: single nucleotide variant.
Coding change: c.808G>A on transcript NM_001080467.3 (MANE Select); coding-DNA position 808, G replaced by A.
Protein change: p.Gly270Ser; replaces glycine 270 with serine.
Molecular consequence: missense variant.
Genome position (GRCh38, 1-based): chr18:49,990,469, C>T on the plus strand (G>A on the coding strand, the complement: MYO5B is on the minus strand). VCF-style: chr18-49990469-C-T. GRCh37 (hg19) VCF-style: chr18-47516839-C-T.
Other names: short protein forms G270S.
Identifiers: ClinVar variation 891654 (VCV000891654.6), dbSNP rs1047868917, ClinGen allele CA299987854.

ClinVar aggregate classification (germline): Uncertain significance. Review status: criteria provided, multiple submitters, no conflicts (2 of 4 stars). 3 submissions from 3 submitters: Uncertain significance (3). Last evaluated 2026-01-15.

Conditions:
MYO5B-related disorder. Also called: MYO5B-related condition.
Congenital microvillous atrophy (DIAR2). Also called: Diarrhea 2 with microvillus atrophy, with or without cholestasis; Microvillus inclusion disease; CONGENITAL FAMILIAL PROTRACTED DIARRHEA WITH ENTEROCYTE BRUSH-BORDER ABNORMALITIES; DAVIDSON DISEASE; MICROVILLUS ATROPHY, CONGENITAL. Identifiers: Orphanet 2290, MedGen C0341306, MONDO:0009635, OMIM 251850.

Allele frequency attached by ClinVar (database versions not stated): gnomAD exomes 0.00001 and 0.00002; TOPMed 0.00005.
gnomAD v4.1: 36 of 1,613,720 alleles (0.0022%); highest among the groups gnomAD compares: East Asian, 0.0067%; no homozygotes.

Submissions (3):

PreventionGenetics, part of Exact Sciences
Classification: Uncertain significance for MYO5B-related condition. Last evaluated: 2026-01-15. Review status: criteria provided, single submitter. Criteria: ACMG Guidelines, 2015. Collection method: clinical testing. Allele origin: germline.
Comment: The MYO5B c.808G>A variant is predicted to result in the amino acid substitution p.Gly270Ser. To our knowledge, this variant has not been reported in the literature. This variant is reported in 0.0065% of alleles in individuals of South Asian descent in gnomAD. At this time, the clinical significance of this variant is uncertain due to the absence of conclusive functional and genetic evidence.

Labcorp Genetics (formerly Invitae), Labcorp
Classification: Uncertain significance. Last evaluated: 2022-05-08. Review status: criteria provided, single submitter. Criteria: Invitae Variant Classification Sherloc (09022015). Collection method: clinical testing. Allele origin: germline.
Comment: This sequence change replaces glycine, which is neutral and non-polar, with serine, which is neutral and polar, at codon 270 of the MYO5B protein (p.Gly270Ser). This variant is present in population databases (no rsID available, gnomAD 0.006%). This variant has not been reported in the literature in individuals affected with MYO5B-related conditions. ClinVar contains an entry for this variant (Variation ID: 891654). Algorithms developed to predict the effect of missense changes on protein structure and function output the following: SIFT: "Tolerated"; PolyPhen-2: "Benign"; Align-GVGD: "Class C0". The serine amino acid residue is found in multiple mammalian species, which suggests that this missense change does not adversely affect protein function. In summary, the available evidence is currently insufficient to determine the role of this variant in disease. Therefore, it has been classified as a Variant of Uncertain Significance.

Illumina Laboratory Services, Illumina
Classification: Uncertain significance for Congenital microvillous atrophy. Last evaluated: 2018-01-12. Review status: criteria provided, single submitter. Criteria: ICSL Variant Classification Criteria 13 December 2019. Collection method: clinical testing. Allele origin: germline.